The following is an entry in ClinVar:

ClinVar aggregate classification (germline): Benign/Likely benign. Review status: criteria provided, multiple submitters, no conflicts (2 of 4 stars). 5 submissions from 5 submitters: Benign (3); Likely benign (1). 1 of the submissions does not count toward it. Last evaluated 2026-01-27.

Conditions:
S1PR2-related disorder. Also called: S1PR2-related condition.

Allele frequency attached by ClinVar (database versions not stated): gnomAD exomes 0.00031; ExAC 0.00100; 1000 Genomes Project 0.00260; 1000 Genomes Project 30x 0.00297; gnomAD 0.00305 and 0.00331; TOPMed 0.00325; ESP Exome Variant Server 0.00377.
gnomAD v4.1: 939 of 1,613,350 alleles (0.058%); highest among the groups gnomAD compares: African/African-American, 1%; 2 homozygotes.

Submissions (5):

Labcorp Genetics (formerly Invitae), Labcorp
Classification: Benign. Last evaluated: 2026-01-27. Review status: criteria provided, single submitter. Criteria: Invitae Variant Classification Sherloc (09022015). Collection method: clinical testing. Allele origin: germline.

Blueprint Genetics
Classification: Likely benign. Last evaluated: 2024-11-27. Review status: criteria provided, single submitter. Criteria: ACMG Guidelines, 2015. Collection method: clinical testing. Allele origin: germline.

GeneDx
Classification: Benign. Last evaluated: 2019-12-18. Review status: criteria provided, single submitter. Criteria: GeneDx Variant Classification Process June 2021. Collection method: clinical testing. Allele origin: germline. Affected: yes.

Laboratory for Molecular Medicine, Mass General Brigham Personalized Medicine
Classification: Benign. Last evaluated: 2017-08-23. Review status: criteria provided, single submitter. Criteria: LMM Criteria. Collection method: clinical testing. Allele origin: germline. Observed: 1 variant allele.
Comment: p.Gly83Gly in exon 2 of S1PR2: This variant is not expected to have clinical sig nificance because it does not alter an amino acid residue, is not located within the splice consensus sequence, and has been identified in 1.16% (108/9324) of A frican chromosomes by the Exome Aggregation Consortium (ExAC; dbSNP rs73922357).

PreventionGenetics, part of Exact Sciences
Classification: Benign for S1PR2-related condition. Last evaluated: 2019-05-20. Review status: no assertion criteria provided. Collection method: clinical testing. Allele origin: germline. Not counted in ClinVar's aggregate classification.
Comment: This variant is classified as benign based on ACMG/AMP sequence variant interpretation guidelines (Richards et al. 2015 PMID: 25741868, with internal and published modifications).

NM_004230.4(S1PR2):c.249C>T (p.Gly83=)

Gene: S1PR2 (sphingosine-1-phosphate receptor 2; minus strand). Cytogenetic location: 19p13.2.
Variant type: single nucleotide variant.
Coding change: c.249C>T on transcript NM_004230.4 (MANE Select); coding-DNA position 249, C replaced by T.
Protein change: p.Gly83=; no amino-acid change (glycine 83 retained).
Molecular consequence: synonymous variant.
Genome position (GRCh38, 1-based): chr19:10,224,657, G>A on the plus strand (C>T on the coding strand, the complement: S1PR2 is on the minus strand). VCF-style: chr19-10224657-G-A. GRCh37 (hg19) VCF-style: chr19-10335333-G-A.
Identifiers: ClinVar variation 506088 (VCV000506088.18), dbSNP rs73922357, ClinGen allele CA9189127.
Genomic context (GRCh38, chr19:10,224,657, plus strand): 5'-CACAGGCGTCAGCCTCAGCGTGACAGAGCCAGAGAGCAAGGTATTGGCTACGAAGGCCAC[G>A]CCTGCCAGTAGATCGGAGGCGGCCAGGTTGCCCAGAAACAGGTACATTGCCGAGTGGAAC-3'
Protein context (NP_004221.3, residues 73-93): GNLAASDLLA[Gly83=]VAFVANTLLS